The following is an entry in ClinVar:

NM_006258.4(PRKG1):c.762+274G>T

Gene: PRKG1 (protein kinase cGMP-dependent 1; plus strand). Cytogenetic location: 10q21.1.
Variant type: single nucleotide variant.
Coding change: c.762+274G>T on transcript NM_006258.4 (MANE Select); 274 bases into the intron after coding-DNA position 762, G replaced by T.
Molecular consequence: intron variant.
Genome position (GRCh38, 1-based): chr10:51,907,844, G>T. VCF-style: chr10-51907844-G-T. GRCh37 (hg19) VCF-style: chr10-53667604-G-T.
Other names: c.717+274G>T (NM_001098512.3).
Identifiers: ClinVar variation 683716 (VCV000683716.1), dbSNP rs34873454, ClinGen allele CA207358586.

ClinVar aggregate classification (germline): Benign (1 of 4 stars; one submission).

Allele frequency attached by ClinVar (database versions not stated): 1000 Genomes Project 0.25819; 1000 Genomes Project 30x 0.26749; gnomAD 0.27125 and 0.27250; gnomAD exomes 0.27175; TOPMed 0.27522.
gnomAD v4.1: 88,075 of 324,012 alleles (27%); highest among the groups gnomAD compares: Admixed American, 35%; 12,391 homozygotes.

Submission:

GeneDx
Classification: Benign. Last evaluated: 2018-06-18. Review status: criteria provided, single submitter. Criteria: GeneDx Variant Classification (06012015). Collection method: clinical testing. Allele origin: germline. Affected: yes.
Comment: This variant is considered likely benign or benign based on one or more of the following criteria: it is a conservative change, it occurs at a poorly conserved position in the protein, it is predicted to be benign by multiple in silico algorithms, and/or has population frequency not consistent with disease.